The following is an entry in ClinVar:

ClinVar aggregate classification (germline): Uncertain significance. Review status: criteria provided, multiple submitters, no conflicts (2 of 4 stars). 3 submissions from 3 submitters: Uncertain significance (3). Last evaluated 2025-01-10.

Conditions:
Hereditary cancer-predisposing syndrome. Also called: Neoplastic Syndromes, Hereditary; Tumor predisposition; Hereditary Cancer Syndrome; Hereditary neoplastic syndrome. Identifiers: Orphanet 140162, MedGen C0027672, MeSH D009386, MONDO:0015356.
Cardiovascular phenotype. Identifiers: MedGen CN230736.

Allele frequency attached by ClinVar (database versions not stated): ExAC 0.00001; gnomAD 0.00001.
gnomAD v4.1: 1 of 1,613,302 alleles (0.000062%); highest among the groups gnomAD compares: East Asian, 0.0022%; no homozygotes.

Submissions (3):

Ambry Genetics
Classification: Uncertain significance for Cardiovascular phenotype; Hereditary cancer-predisposing syndrome. Last evaluated: 2025-01-10. Review status: criteria provided, single submitter. Criteria: Ambry Variant Classification Scheme 2023. Collection method: clinical testing. Allele origin: germline.
Comment: The p.E665A variant (also known as c.1994A>C), located in coding exon 17 of the LZTR1 gene, results from an A to C substitution at nucleotide position 1994. The glutamic acid at codon 665 is replaced by alanine, an amino acid with dissimilar properties. This amino acid position is conserved. In addition, the in silico prediction for this alteration is inconclusive. Based on the available evidence, the clinical significance of this variant remains unclear.

Labcorp Genetics (formerly Invitae), Labcorp
Classification: Uncertain significance. Last evaluated: 2022-12-21. Review status: criteria provided, single submitter. Criteria: Invitae Variant Classification Sherloc (09022015). Collection method: clinical testing. Allele origin: germline.
Comment: In summary, the available evidence is currently insufficient to determine the role of this variant in disease. Therefore, it has been classified as a Variant of Uncertain Significance. Advanced modeling of protein sequence and biophysical properties (such as structural, functional, and spatial information, amino acid conservation, physicochemical variation, residue mobility, and thermodynamic stability) performed at Invitae indicates that this missense variant is not expected to disrupt LZTR1 protein function. This variant has not been reported in the literature in individuals affected with LZTR1-related conditions. This variant is present in population databases (rs769240961, gnomAD 0.006%). This sequence change replaces glutamic acid, which is acidic and polar, with alanine, which is neutral and non-polar, at codon 665 of the LZTR1 protein (p.Glu665Ala).

Blueprint Genetics
Classification: Uncertain significance. Last evaluated: 2022-10-13. Review status: criteria provided, single submitter. Criteria: ACMG Guidelines, 2015. Collection method: clinical testing. Allele origin: germline.

NM_006767.4(LZTR1):c.1994A>C (p.Glu665Ala)

Gene: LZTR1 (leucine zipper like post translational regulator 1; plus strand). Cytogenetic location: 22q11.21.
Variant type: single nucleotide variant.
Coding change: c.1994A>C on transcript NM_006767.4 (MANE Select); coding-DNA position 1994, A replaced by C.
Protein change: p.Glu665Ala; replaces glutamic acid 665 with alanine.
Molecular consequence: missense variant.
Genome position (GRCh38, 1-based): chr22:20,995,797, A>C. VCF-style: chr22-20995797-A-C. GRCh37 (hg19) VCF-style: chr22-21350086-A-C.
Other names: c.1994A>C (NM_006767.3); short protein forms E665A.
Identifiers: ClinVar variation 3016462 (VCV003016462.3), dbSNP rs769240961, ClinGen allele CA10119194.
Genomic context (GRCh38, chr22:20,995,797, plus strand): 5'-TACCCCCAGGCACATCTCTGATCCAGGACATGAAGGCATACCTGGAGGGAGCGGGCGCGG[A>C]ATTCTGTGACATCACTCTGTTGCTTGACGGGCACCCACGGCCAGCCCACAAGGCTATCCT-3'
Protein context (NP_006758.2, residues 655-675): MKAYLEGAGA[Glu665Ala]FCDITLLLDG